The following is an entry in ClinVar:

ClinVar aggregate classification (germline): Uncertain significance (1 of 4 stars; one submission).

Conditions:
Joubert syndrome 23 (JBTS23). Identifiers: Orphanet 475, MedGen C4084822, MONDO:0014664, OMIM 616490.
Short-rib thoracic dysplasia 14 with polydactyly (SRTD14). Identifiers: Orphanet 397715, MedGen C4225286, MONDO:0014688, OMIM 616546.

Submission:

Labcorp Genetics (formerly Invitae), Labcorp
Classification: Uncertain significance for Joubert syndrome 23; Short-rib thoracic dysplasia 14 with polydactyly. Last evaluated: 2024-11-11. Review status: criteria provided, single submitter. Criteria: Invitae Variant Classification Sherloc (09022015). Collection method: clinical testing. Allele origin: germline.
Comment: This sequence change replaces histidine, which is basic and polar, with tyrosine, which is neutral and polar, at codon 41 of the KIAA0586 protein (p.His41Tyr). This variant is not present in population databases (gnomAD no frequency). This variant has not been reported in the literature in individuals affected with KIAA0586-related conditions. ClinVar contains an entry for this variant (Variation ID: 2133072). An algorithm developed to predict the effect of missense changes on protein structure and function (PolyPhen-2) suggests that this variant is likely to be tolerated. In summary, the available evidence is currently insufficient to determine the role of this variant in disease. Therefore, it has been classified as a Variant of Uncertain Significance.

NM_001329943.3(KIAA0586):c.85C>T (p.His29Tyr)

Gene: KIAA0586 (KIAA0586; plus strand). Cytogenetic location: 14q23.1.
Variant type: single nucleotide variant.
Coding change: c.85C>T on transcript NM_001329943.3 (MANE Select); coding-DNA position 85, C replaced by T.
Protein change: p.His29Tyr; replaces histidine 29 with tyrosine.
Molecular consequence: missense variant. On other transcripts: intron variant (5).
Genome position (GRCh38, 1-based): chr14:58,428,349, C>T. VCF-style: chr14-58428349-C-T. GRCh37 (hg19) VCF-style: chr14-58895067-C-T.
Other names: c.-57+536C>T (NM_001364701.2, NM_001329945.2, NM_001364700.1); c.121C>T, p.His41Tyr (NM_001244189.2); c.40C>T, p.His14Tyr (NM_001244190.2); c.85C>T, p.His29Tyr (NM_001329944.2, NM_001329946.2, NM_001329947.2 and 1 more transcripts); c.-57+712C>T (NM_001244192.2, NM_001244191.2); short protein forms H14Y, H41Y, H29Y.
Identifiers: ClinVar variation 2133072 (VCV002133072.4), dbSNP rs2542432722, ClinGen allele CA389859096.
Genomic context (GRCh38, chr14:58,428,349, plus strand): 5'-GAGAAGAAAAAAAAGATTAAGATGCCAGTGAAGAGACTTCGTGAGGTAGTTTCTCAAAAT[C>T]ATGGAGATCATTTGGTTTTGCTGAAAGATGAGTTGCCCTGTGTTCCTCCGGCATTGTCTG-3'
Protein context (NP_001316872.1, residues 19-39): KRLREVVSQN[His29Tyr]GDHLVLLKDE